The following is an entry in ClinVar:

NM_173551.5(ANKS6):c.537A>G (p.Gln179=)

Gene: ANKS6 (ankyrin repeat and sterile alpha motif domain containing 6; minus strand). Cytogenetic location: 9q22.33.
Variant type: single nucleotide variant.
Coding change: c.537A>G on transcript NM_173551.5 (MANE Select); coding-DNA position 537, A replaced by G.
Protein change: p.Gln179=; no amino-acid change (glutamine 179 retained).
Molecular consequence: synonymous variant.
Genome position (GRCh38, 1-based): chr9:98,790,429, T>C on the plus strand (A>G on the coding strand, the complement: ANKS6 is on the minus strand). VCF-style: chr9-98790429-T-C. GRCh37 (hg19) VCF-style: chr9-101552711-T-C.
Identifiers: ClinVar variation 262852 (VCV000262852.23), dbSNP rs200417280, ClinGen allele CA5153819.
Genomic context (GRCh38, chr9:98,790,429, plus strand): 5'-GATGGCAGCCATCAGGGCTGTGATGTCCAAGGGCTCATCCCTGCTGCCGCCCAACCCCAG[T>C]TGCTCGCCTGAAGGGTGGTGATGGTCCACAAAGGCACCGGCTTCCAGGAGCAGCTTCACC-3'
Protein context (NP_775822.3, residues 169-189): FVDHHHPSGE[Gln179=]LGLGGSRDEP

ClinVar aggregate classification (germline): Benign/Likely benign. Review status: criteria provided, multiple submitters, no conflicts (2 of 4 stars). 5 submissions from 5 submitters: Benign (1); Likely benign (4). Last evaluated 2026-01-06.

Conditions:
Nephronophthisis 16 (NPHP16). Identifiers: Orphanet 655, MedGen C3809320, MONDO:0014158, OMIM 615382.

Allele frequency attached by ClinVar (database versions not stated): gnomAD 0.00044 and 0.00048; gnomAD exomes 0.00045 and 0.00064; TOPMed 0.00052; 1000 Genomes Project 0.00060; 1000 Genomes Project 30x 0.00062; ExAC 0.00077; ESP Exome Variant Server 0.00080.
gnomAD v4.1: 747 of 1,613,764 alleles (0.046%); highest among the groups gnomAD compares: Middle Eastern, 0.49%; 3 homozygotes.

Submissions (5):

Labcorp Genetics (formerly Invitae), Labcorp
Classification: Benign for Nephronophthisis 16. Last evaluated: 2026-01-06. Review status: criteria provided, single submitter. Criteria: Invitae Variant Classification Sherloc (09022015). Collection method: clinical testing. Allele origin: germline.

CeGaT Center for Human Genetics Tuebingen
Classification: Likely benign. Last evaluated: 2025-06-01. Review status: criteria provided, single submitter. Criteria: CeGaT Center For Human Genetics Tuebingen Variant Classification Criteria Version 2. Collection method: clinical testing. Allele origin: germline. Affected: yes. Observed: 1 variant allele.
Comment: ANKS6: BP4, BP7

Blueprint Genetics
Classification: Likely benign. Last evaluated: 2024-11-14. Review status: criteria provided, single submitter. Criteria: ACMG Guidelines, 2015. Collection method: clinical testing. Allele origin: germline.

Fulgent Genetics
Classification: Likely benign for Nephronophthisis 16. Last evaluated: 2021-10-03. Review status: criteria provided, single submitter. Criteria: ACMG Guidelines, 2015. Collection method: clinical testing. Allele origin: unknown.

PreventionGenetics, part of Exact Sciences
Classification: Likely benign. Review status: criteria provided, single submitter. Criteria: ACMG Guidelines, 2015. Collection method: clinical testing. Allele origin: germline.